The following is an entry in ClinVar:

ClinVar aggregate classification (germline): Uncertain significance. Review status: criteria provided, multiple submitters, no conflicts (2 of 4 stars). 3 submissions from 3 submitters: Uncertain significance (3). Last evaluated 2026-03-18.

Conditions:
Neurofibromatosis, type 1 (NF1). Also called: VON RECKLINGHAUSEN DISEASE; Neurofibromatosis, type I; NEUROFIBROMATOSIS, TYPE I, SOMATIC; Peripheral type neurofibromatosis. Identifiers: Orphanet 636, MedGen C0027831, MONDO:0018975, OMIM 162200. Disease mechanism: loss of function.
Neurofibromatosis-Noonan syndrome (NFNS). Also called: NEUROFIBROMATOSIS WITH NOONAN PHENOTYPE. Identifiers: Orphanet 638, MedGen C2931482, MONDO:0011035, OMIM 601321. Disease mechanism: loss of function.
Juvenile myelomonocytic leukemia (JMML). Also called: LEUKEMIA, JUVENILE MYELOMONOCYTIC, SOMATIC. Identifiers: Orphanet 86834, MedGen C0349639, MONDO:0011908, OMIM 607785, HP:0012209.
Café-au-lait macules with pulmonary stenosis (WTSN). Also called: PULMONIC STENOSIS WITH CAFE-AU-LAIT SPOTS. Identifiers: MedGen C0553586, MONDO:0008672, OMIM 193520.
Neurofibromatosis, familial spinal (FSNF). Identifiers: Orphanet 636, MedGen C1834235, MONDO:0008078, OMIM 162210. Disease mechanism: loss of function.
Cardiovascular phenotype. Identifiers: MedGen CN230736.
Hereditary cancer-predisposing syndrome. Also called: Tumor predisposition; Hereditary Cancer Syndrome; Neoplastic Syndromes, Hereditary; Hereditary neoplastic syndrome. Identifiers: Orphanet 140162, MedGen C0027672, MeSH D009386, MONDO:0015356.

Allele frequency attached by ClinVar (database versions not stated): gnomAD exomes below 0.00001.
gnomAD v4.1: 6 of 1,613,986 alleles (0.00037%); highest among the groups gnomAD compares: Admixed American, 0.0017%; no homozygotes.

Submissions (3):

Ambry Genetics
Classification: Uncertain significance for Cardiovascular phenotype; Hereditary cancer-predisposing syndrome. Last evaluated: 2026-03-18. Review status: criteria provided, single submitter. Criteria: Ambry Variant Classification Scheme 2023. Collection method: clinical testing. Allele origin: germline.
Comment: The p.F2367I variant (also known as c.7099T>A), located in coding exon 47 of the NF1 gene, results from a T to A substitution at nucleotide position 7099. The phenylalanine at codon 2367 is replaced by isoleucine, an amino acid with highly similar properties. This amino acid position is conserved. In addition, the in silico prediction for this alteration is inconclusive. Based on the available evidence, the clinical significance of this variant remains unclear.

Labcorp Genetics (formerly Invitae), Labcorp
Classification: Uncertain significance for Neurofibromatosis, type 1. Last evaluated: 2023-07-19. Review status: criteria provided, single submitter. Criteria: Invitae Variant Classification Sherloc (09022015). Collection method: clinical testing. Allele origin: germline.
Comment: In summary, the available evidence is currently insufficient to determine the role of this variant in disease. Therefore, it has been classified as a Variant of Uncertain Significance. Advanced modeling of protein sequence and biophysical properties (such as structural, functional, and spatial information, amino acid conservation, physicochemical variation, residue mobility, and thermodynamic stability) performed at Invitae indicates that this missense variant is expected to disrupt NF1 protein function. ClinVar contains an entry for this variant (Variation ID: 648366). This variant has not been reported in the literature in individuals affected with NF1-related conditions. This variant is present in population databases (no rsID available, gnomAD 0.003%). This sequence change replaces phenylalanine, which is neutral and non-polar, with isoleucine, which is neutral and non-polar, at codon 2367 of the NF1 protein (p.Phe2367Ile).

Fulgent Genetics
Classification: Uncertain significance for Neurofibromatosis, type 1; Neurofibromatosis, familial spinal; Café-au-lait macules with pulmonary stenosis; Neurofibromatosis-Noonan syndrome; Juvenile myelomonocytic leukemia. Last evaluated: 2022-02-11. Review status: criteria provided, single submitter. Criteria: ACMG Guidelines, 2015. Collection method: clinical testing. Allele origin: unknown.

NM_001042492.3(NF1):c.7162T>A (p.Phe2388Ile)

Gene: NF1 (neurofibromin 1; plus strand). Cytogenetic location: 17q11.2.
Variant type: single nucleotide variant.
Coding change: c.7162T>A on transcript NM_001042492.3 (MANE Select); coding-DNA position 7162, T replaced by A.
Protein change: p.Phe2388Ile; replaces phenylalanine 2388 with isoleucine.
Molecular consequence: missense variant.
Genome position (GRCh38, 1-based): chr17:31,343,108, T>A. VCF-style: chr17-31343108-T-A. GRCh37 (hg19) VCF-style: chr17-29670126-T-A.
Other names: c.7099T>A, p.Phe2367Ile (NM_000267.4); short protein forms F2388I, F2367I.
Identifiers: ClinVar variation 648366 (VCV000648366.7), dbSNP rs1425642121, ClinGen allele CA399015729.
Genomic context (GRCh38, chr17:31,343,108, plus strand): 5'-GAGTGGCACTGCAAGCAAATGGATCATTTTGTTGGACTCAATTTCAACTCTAACTTTAAC[T>A]TTGCATTGGTTGGACACCTTTTAAAAGGTAAAAAAGCCTTATTTAGAATATTTTTATGAA-3'
Protein context (NP_001035957.1, residues 2378-2398): VGLNFNSNFN[Phe2388Ile]ALVGHLLKGY